The following is an entry in ClinVar:

NM_020338.4(ZMIZ1):c.3059C>T (p.Ala1020Val)

Gene: ZMIZ1 (zinc finger MIZ-type containing 1; plus strand). Cytogenetic location: 10q22.3.
Variant type: single nucleotide variant.
Coding change: c.3059C>T on transcript NM_020338.4 (MANE Select); coding-DNA position 3059, C replaced by T.
Protein change: p.Ala1020Val; replaces alanine 1020 with valine.
Molecular consequence: missense variant.
Genome position (GRCh38, 1-based): chr10:79,311,147, C>T. VCF-style: chr10-79311147-C-T. GRCh37 (hg19) VCF-style: chr10-81070904-C-T.
Other names: c.3059C>T (NM_020338.3); short protein forms A1020V.
Identifiers: ClinVar variation 2161384 (VCV002161384.30), dbSNP rs540048667, ClinGen allele CA5573179.

ClinVar aggregate classification (germline): Benign/Likely benign. Review status: criteria provided, multiple submitters, no conflicts (2 of 4 stars). 4 submissions from 4 submitters: Benign (1); Likely benign (3). Last evaluated 2025-10-18.

Conditions:
Inborn genetic diseases. Identifiers: MedGen C0950123, MeSH D030342.

Allele frequency attached by ClinVar (database versions not stated): TOPMed 0.00005; gnomAD 0.00006; ExAC 0.00010; 1000 Genomes Project 30x 0.00016; 1000 Genomes Project 0.00020.
gnomAD v4.1: 105 of 1,613,512 alleles (0.0065%); highest among the groups gnomAD compares: Non-Finnish European, 0.0081%; no homozygotes.

Submissions (4):

Labcorp Genetics (formerly Invitae), Labcorp
Classification: Benign. Last evaluated: 2025-10-18. Review status: criteria provided, single submitter. Criteria: Invitae Variant Classification Sherloc (09022015). Collection method: clinical testing. Allele origin: germline.

CeGaT Center for Human Genetics Tuebingen
Classification: Likely benign. Last evaluated: 2025-10-01. Review status: criteria provided, single submitter. Criteria: CeGaT Center For Human Genetics Tuebingen Variant Classification Criteria Version 2. Collection method: clinical testing. Allele origin: germline. Affected: yes. Observed: 2 variant alleles.
Comment: ZMIZ1: BP4

Laboratory of Genetics, Children's Clinical University Hospital Latvia
Classification: Likely benign. Last evaluated: 2025-02-16. Review status: criteria provided, single submitter. Criteria: ACMG Guidelines, 2015. Collection method: clinical testing. Allele origin: germline. Affected: yes.

Ambry Genetics
Classification: Likely benign for Inborn genetic diseases. Last evaluated: 2022-12-28. Review status: criteria provided, single submitter. Criteria: Ambry Variant Classification Scheme 2023. Collection method: clinical testing. Allele origin: germline.